The following is an entry in ClinVar:

NM_001145715.3(KPNA7):c.769G>A (p.Val257Ile)

Gene: KPNA7 (karyopherin subunit alpha 7; minus strand). Cytogenetic location: 7q22.1.
Variant type: single nucleotide variant.
Coding change: c.769G>A on transcript NM_001145715.3 (MANE Select); coding-DNA position 769, G replaced by A.
Protein change: p.Val257Ile; replaces valine 257 with isoleucine.
Molecular consequence: missense variant.
Genome position (GRCh38, 1-based): chr7:99,188,431, C>T on the plus strand (G>A on the coding strand, the complement: KPNA7 is on the minus strand). VCF-style: chr7-99188431-C-T. GRCh37 (hg19) VCF-style: chr7-98786054-C-T.
Other names: c.769G>A (NM_001145715.1); short protein forms V257I.
Identifiers: ClinVar variation 1495127 (VCV001495127.7), dbSNP rs752758269, ClinGen allele CA4363196.

ClinVar aggregate classification (germline): Conflicting classifications of pathogenicity. Review status: criteria provided, conflicting classifications (1 of 4 stars). 2 submissions from 2 submitters: Uncertain significance (1); Likely benign (1). Last evaluated 2026-02-02.

Allele frequency attached by ClinVar (database versions not stated): ExAC 0.00005.

Submissions (2):

Labcorp Genetics (formerly Invitae), Labcorp
Classification: Uncertain significance. Last evaluated: 2026-02-02. Review status: criteria provided, single submitter. Criteria: Invitae Variant Classification Sherloc (09022015). Collection method: clinical testing. Allele origin: germline.
Comment: This sequence change replaces valine, which is neutral and non-polar, with isoleucine, which is neutral and non-polar, at codon 257 of the KPNA7 protein (p.Val257Ile). This variant is present in population databases (rs752758269, gnomAD 0.01%). This variant has not been reported in the literature in individuals affected with KPNA7-related conditions. ClinVar contains an entry for this variant (Variation ID: 1495127). Invitae Evidence Modeling of protein sequence and biophysical properties (such as structural, functional, and spatial information, amino acid conservation, physicochemical variation, residue mobility, and thermodynamic stability) indicates that this missense variant is not expected to disrupt KPNA7 protein function with a negative predictive value of 80%. In summary, the available evidence is currently insufficient to determine the role of this variant in disease. Therefore, it has been classified as a Variant of Uncertain Significance.

Ambry Genetics
Classification: Likely benign. Last evaluated: 2024-10-09. Review status: criteria provided, single submitter. Criteria: Ambry Variant Classification Scheme 2023. Collection method: clinical testing. Allele origin: germline.